The following is an entry in ClinVar:

ClinVar aggregate classification (germline): Uncertain significance (1 of 4 stars; one submission).

Conditions:
Complement component 3 deficiency. Identifiers: Orphanet 280133, MedGen C3151071, MONDO:0013417, OMIM 613779.
C3 glomerulonephritis. Also called: Nephropathy due to CFHR5 Deficiency; C3 GLOMERULOPATHY 3. Identifiers: Orphanet 329931, MedGen C4055342, MONDO:0013892, OMIM 614809.
Atypical hemolytic-uremic syndrome with C3 anomaly. Also called: AHUS, SUSCEPTIBILITY TO, 5. Identifiers: Orphanet 2134, MedGen C2752037, MONDO:0013043, OMIM 612925.

Submission:

Labcorp Genetics (formerly Invitae), Labcorp
Classification: Uncertain significance. Last evaluated: 2022-07-07. Review status: criteria provided, single submitter. Criteria: Invitae Variant Classification Sherloc (09022015). Collection method: clinical testing. Allele origin: germline.
Comment: This variant has not been reported in the literature in individuals affected with C3-related conditions. Algorithms developed to predict the effect of missense changes on protein structure and function output the following: SIFT: "Tolerated"; PolyPhen-2: "Benign"; Align-GVGD: "Class C0". The glutamine amino acid residue is found in multiple mammalian species, which suggests that this missense change does not adversely affect protein function. In summary, the available evidence is currently insufficient to determine the role of this variant in disease. Therefore, it has been classified as a Variant of Uncertain Significance. This variant is not present in population databases (gnomAD no frequency). This sequence change replaces glutamic acid, which is acidic and polar, with glutamine, which is neutral and polar, at codon 1597 of the C3 protein (p.Glu1597Gln).

NM_000064.4(C3):c.4789G>C (p.Glu1597Gln)

Gene: C3 (complement C3; minus strand). Cytogenetic location: 19p13.3.
Variant type: single nucleotide variant.
Coding change: c.4789G>C on transcript NM_000064.4 (MANE Select); coding-DNA position 4789, G replaced by C.
Protein change: p.Glu1597Gln; replaces glutamic acid 1597 with glutamine.
Molecular consequence: missense variant.
Genome position (GRCh38, 1-based): chr19:6,678,213, C>G on the plus strand (G>C on the coding strand, the complement: C3 is on the minus strand). VCF-style: chr19-6678213-C-G. GRCh37 (hg19) VCF-style: chr19-6678224-C-G.
Other names: c.4789G>C (NM_000064.3); short protein forms E1597Q.
Identifiers: ClinVar variation 2002815 (VCV002002815.5), dbSNP rs2512224728, ClinGen allele CA403610978.